The following is an entry in ClinVar:

ClinVar aggregate classification (germline): Benign (0 of 4 stars; one submission).

Conditions:
PDZD2-related disorder. Also called: PDZD2-related condition.

Allele frequency attached by ClinVar (database versions not stated): 1000 Genomes Project 0.00679; 1000 Genomes Project 30x 0.00687; ExAC 0.00935; gnomAD 0.01002; TOPMed 0.01065; ESP Exome Variant Server 0.01330.
gnomAD v4.1: 21,944 of 1,614,152 alleles (1.4%); highest among the groups gnomAD compares: Non-Finnish European, 1.7%; 166 homozygotes.

Submission:

PreventionGenetics, part of Exact Sciences
Classification: Benign for PDZD2-related condition. Last evaluated: 2019-02-18. Review status: no assertion criteria provided. Collection method: clinical testing. Allele origin: germline.
Comment: This variant is classified as benign based on ACMG/AMP sequence variant interpretation guidelines (Richards et al. 2015 PMID: 25741868, with internal and published modifications).

NM_178140.4(PDZD2):c.3250G>A (p.Ala1084Thr)

Gene: PDZD2 (PDZ domain containing 2; plus strand). Cytogenetic location: 5p13.3.
Variant type: single nucleotide variant.
Coding change: c.3250G>A on transcript NM_178140.4 (MANE Select); coding-DNA position 3250, G replaced by A.
Protein change: p.Ala1084Thr; replaces alanine 1084 with threonine.
Molecular consequence: missense variant.
Genome position (GRCh38, 1-based): chr5:32,074,356, G>A. VCF-style: chr5-32074356-G-A. GRCh37 (hg19) VCF-style: chr5-32074462-G-A.
Other names: short protein forms A1084T.
Identifiers: ClinVar variation 3037763 (VCV003037763.2), dbSNP rs115304584, ClinGen allele CA3219413.